The following is an entry in ClinVar:

ClinVar aggregate classification (germline): Pathogenic (1 of 4 stars; one submission).

Submission:

GeneDx
Classification: Pathogenic. Last evaluated: 2024-04-03. Review status: criteria provided, single submitter. Criteria: GeneDx Variant Classification Process June 2021. Collection method: clinical testing. Allele origin: germline. Affected: yes.
Comment: Nonsense variant predicted to result in protein truncation or nonsense mediated decay in a gene for which loss of function is a known mechanism of disease; Not observed at significant frequency in large population cohorts (gnomAD); This variant is associated with the following publications: (PMID: 32196960)

NM_014795.4(ZEB2):c.291G>A (p.Trp97Ter)

Gene: ZEB2 (zinc finger E-box binding homeobox 2; minus strand). Cytogenetic location: 2q22.3.
Variant type: single nucleotide variant.
Coding change: c.291G>A on transcript NM_014795.4 (MANE Select); coding-DNA position 291, G replaced by A.
Protein change: p.Trp97Ter; replaces tryptophan 97 with a stop codon.
Molecular consequence: nonsense.
Genome position (GRCh38, 1-based): chr2:144,429,809, C>T on the plus strand (G>A on the coding strand, the complement: ZEB2 is on the minus strand). VCF-style: chr2-144429809-C-T. GRCh37 (hg19) VCF-style: chr2-145187376-C-T.
Other names: c.291G>A, p.Trp97Ter (NM_001171653.2); short protein forms W97*.
Identifiers: ClinVar variation 3361234 (VCV003361234.1).